The following is an entry in ClinVar:

NM_001134407.3(GRIN2A):c.3917G>A (p.Arg1306Lys)

Gene: GRIN2A (glutamate ionotropic receptor NMDA type subunit 2A; minus strand). Cytogenetic location: 16p13.2.
Variant type: single nucleotide variant.
Coding change: c.3917G>A on transcript NM_001134407.3 (MANE Select); coding-DNA position 3917, G replaced by A.
Protein change: p.Arg1306Lys; replaces arginine 1306 with lysine.
Molecular consequence: missense variant. On other transcripts: intron variant (1).
Genome position (GRCh38, 1-based): chr16:9,763,627, C>T on the plus strand (G>A on the coding strand, the complement: GRIN2A is on the minus strand). VCF-style: chr16-9763627-C-T. GRCh37 (hg19) VCF-style: chr16-9857484-C-T.
Other names: c.3917G>A, p.Arg1306Lys (NM_000833.5); c.3772+145G>A (NM_001134408.2); short protein forms R1306K.
Identifiers: ClinVar variation 4999399 (VCV004999399.1).

ClinVar aggregate classification (germline): Uncertain significance (1 of 4 stars; one submission).

Conditions:
GRIN2A-related complex neurodevelopmental disorder. Also called: GRIN2A-related condition; GRIN2A-related disorder. Identifiers: MedGen CN379781, MONDO:1060139.

gnomAD v4.1: 1 of 1,613,294 alleles (0.000062%); highest among the groups gnomAD compares: Non-Finnish European, 0.000085%; no homozygotes.

Submission:

PreventionGenetics, part of Exact Sciences
Classification: Uncertain significance for GRIN2A-related condition. Last evaluated: 2025-01-26. Review status: criteria provided, single submitter. Criteria: ACMG Guidelines, 2015. Collection method: clinical testing. Allele origin: germline.
Comment: The GRIN2A c.3917G>A variant is predicted to result in the amino acid substitution p.Arg1306Lys. To our knowledge, this variant has not been reported in the literature. This variant is reported in 0.00088% of alleles in individuals of European (Non-Finnish) descent in gnomAD. At this time, the clinical significance of this variant is uncertain due to the absence of conclusive functional and genetic evidence.